The following is an entry in ClinVar:

NM_001253852.3(AP4B1):c.529_531del (p.Val177del)

Gene: AP4B1 (adaptor related protein complex 4 subunit beta 1; minus strand). Cytogenetic location: 1p13.2.
Variant type: Deletion.
Coding change: c.529_531del on transcript NM_001253852.3 (MANE Select); coding-DNA positions 529 to 531, 3 bases deleted (GTG; older notation c.529_531delGTG).
Protein change: p.Val177del; deletes valine 177.
Molecular consequence: inframe deletion. On other transcripts: intron variant (1).
Genome position (GRCh38, 1-based): chr1:113,901,322-113,901,324, CAC deleted on the plus strand (GTG on the coding strand, the reverse complement: AP4B1 is on the minus strand). VCF-style (leftmost placement, unchanged base first): chr1-113901321-TCAC-T. GRCh37 (hg19) VCF-style: chr1-114443943-TCAC-T.
Other names: c.232_234del, p.Val78del (NM_001253853.3); c.529_531del, p.Val177del (NM_006594.5); c.114-924_114-922del (NM_001308312.2); short protein forms V177del, V78del.
Identifiers: ClinVar variation 2413494 (VCV002413494.5), dbSNP rs758680166, ClinGen allele CA1016073.

ClinVar aggregate classification (germline): Uncertain significance (1 of 4 stars; one submission).

Conditions:
Hereditary spastic paraplegia 47. Also called: CEREBRAL PALSY, SPASTIC QUADRIPLEGIC, 5; adaptor protein 4 (AP-4) deficiency syndrome; Spastic paraplegia 47, autosomal recessive. Identifiers: Orphanet 280763, MedGen C3279738, MONDO:0013551, OMIM 614066.

Allele frequency attached by ClinVar (database versions not stated): gnomAD exomes below 0.00001; ExAC 0.00002.

Submission:

Labcorp Genetics (formerly Invitae), Labcorp
Classification: Uncertain significance for Hereditary spastic paraplegia 47. Last evaluated: 2021-11-30. Review status: criteria provided, single submitter. Criteria: Invitae Variant Classification Sherloc (09022015). Collection method: clinical testing. Allele origin: germline.
Comment: This variant, c.529_531del, results in the deletion of 1 amino acid(s) of the AP4B1 protein (p.Val177del), but otherwise preserves the integrity of the reading frame. This variant is present in population databases (rs758680166, gnomAD 0.0009%). This variant has not been reported in the literature in individuals affected with AP4B1-related conditions. Experimental studies and prediction algorithms are not available or were not evaluated, and the functional significance of this variant is currently unknown. In summary, the available evidence is currently insufficient to determine the role of this variant in disease. Therefore, it has been classified as a Variant of Uncertain Significance.